The following is an entry in ClinVar:

ClinVar aggregate classification (germline): Likely benign (1 of 4 stars; one submission).

Conditions:
XYLT1-related disorder. Also called: XYLT1-related condition.

gnomAD v4.1: 2 of 1,230,318 alleles (0.00016%); highest among the groups gnomAD compares: Non-Finnish European, 0.0002%; no homozygotes.

Submission:

PreventionGenetics, part of Exact Sciences
Classification: Likely benign for XYLT1-related condition. Last evaluated: 2026-05-20. Review status: criteria provided, single submitter. Criteria: ACMG Guidelines, 2015. Collection method: clinical testing. Allele origin: germline.
Comment: This variant is classified as likely benign based on ACMG/AMP sequence variant interpretation guidelines (Richards et al. 2015 PMID: 25741868, with internal and published modifications).

NM_022166.4(XYLT1):c.300C>T (p.Gly100=)

Gene: XYLT1 (xylosyltransferase 1; minus strand). Cytogenetic location: 16p12.3.
Variant type: single nucleotide variant.
Coding change: c.300C>T on transcript NM_022166.4 (MANE Select); coding-DNA position 300, C replaced by T.
Protein change: p.Gly100=; no amino-acid change (glycine 100 retained).
Molecular consequence: synonymous variant.
Genome position (GRCh38, 1-based): chr16:17,470,497, G>A on the plus strand (C>T on the coding strand, the complement: XYLT1 is on the minus strand). VCF-style: chr16-17470497-G-A. GRCh37 (hg19) VCF-style: chr16-17564354-G-A.
Identifiers: ClinVar variation 4992993 (VCV004992993.1).